The following is an entry in ClinVar:

NM_017534.6(MYH2):c.4875G>C (p.Glu1625Asp)

Genes: MYHAS (myosin heavy chain gene cluster antisense RNA; plus strand), MYH2 (myosin heavy chain 2; minus strand), LOC126862500 (BRD4-independent group 4 enhancer GRCh37_chr17:10427829-10429028; plus strand). Cytogenetic location: 17p13.1.
Variant type: single nucleotide variant.
Coding change: c.4875G>C on transcript NM_017534.6 (MANE Select); coding-DNA position 4875, G replaced by C.
Protein change: p.Glu1625Asp; replaces glutamic acid 1625 with aspartic acid.
Molecular consequence: missense variant.
Genome position (GRCh38, 1-based): chr17:10,524,853, C>G on the plus strand (G>C on the coding strand, the complement: MYH2 is on the minus strand). VCF-style: chr17-10524853-C-G. GRCh37 (hg19) VCF-style: chr17-10428170-C-G.
Other names: c.4875G>C, p.Glu1625Asp (NM_001100112.2); short protein forms E1625D.
Identifiers: ClinVar variation 2766777 (VCV002766777.3), dbSNP rs2508413541, ClinGen allele CA398121168.

ClinVar aggregate classification (germline): Uncertain significance (1 of 4 stars; one submission).

Conditions:
Myopathy, proximal, and ophthalmoplegia (CMYO6). Also called: INCLUSION BODY MYOPATHY 3, AUTOSOMAL DOMINANT; MYOPATHY WITH CONGENITAL JOINT CONTRACTURES, OPHTHALMOPLEGIA, AND RIMMED VACUOLES; CONGENITAL MYOPATHY 6 WITH OPHTHALMOPLEGIA. Identifiers: Orphanet 363677, Orphanet 79091, MedGen C1854106, MONDO:0011577, OMIM 605637.

Submission:

Labcorp Genetics (formerly Invitae), Labcorp
Classification: Uncertain significance for Myopathy, proximal, and ophthalmoplegia. Last evaluated: 2023-08-02. Review status: criteria provided, single submitter. Criteria: Invitae Variant Classification Sherloc (09022015). Collection method: clinical testing. Allele origin: germline.
Comment: In summary, the available evidence is currently insufficient to determine the role of this variant in disease. Therefore, it has been classified as a Variant of Uncertain Significance. Advanced modeling of protein sequence and biophysical properties (such as structural, functional, and spatial information, amino acid conservation, physicochemical variation, residue mobility, and thermodynamic stability) performed at Invitae indicates that this missense variant is not expected to disrupt MYH2 protein function. This variant has not been reported in the literature in individuals affected with MYH2-related conditions. This variant is not present in population databases (gnomAD no frequency). This sequence change replaces glutamic acid, which is acidic and polar, with aspartic acid, which is acidic and polar, at codon 1625 of the MYH2 protein (p.Glu1625Asp).